The following is an entry in ClinVar:

ClinVar aggregate classification (germline): Uncertain significance (1 of 4 stars; one submission).

Conditions:
Werner syndrome (WRN). Identifiers: Orphanet 902, MedGen C0043119, MONDO:0010196, OMIM 277700.

Submission:

Labcorp Genetics (formerly Invitae), Labcorp
Classification: Uncertain significance for Werner syndrome. Last evaluated: 2023-07-19. Review status: criteria provided, single submitter. Criteria: Invitae Variant Classification Sherloc (09022015). Collection method: clinical testing. Allele origin: germline.
Comment: Algorithms developed to predict the effect of sequence changes on RNA splicing suggest that this variant may create or strengthen a splice site. In summary, the available evidence is currently insufficient to determine the role of this variant in disease. Therefore, it has been classified as a Variant of Uncertain Significance. An algorithm developed to predict the effect of missense changes on protein structure and function (PolyPhen-2) suggests that this variant is likely to be disruptive. This variant has not been reported in the literature in individuals affected with WRN-related conditions. This variant is not present in population databases (gnomAD no frequency). This sequence change replaces leucine, which is neutral and non-polar, with serine, which is neutral and polar, at codon 124 of the WRN protein (p.Leu124Ser).

NM_000553.6(WRN):c.371T>C (p.Leu124Ser)

Gene: WRN (WRN RecQ like helicase; plus strand). Cytogenetic location: 8p12.
Variant type: single nucleotide variant.
Coding change: c.371T>C on transcript NM_000553.6 (MANE Select); coding-DNA position 371, T replaced by C.
Protein change: p.Leu124Ser; replaces leucine 124 with serine.
Molecular consequence: missense variant.
Genome position (GRCh38, 1-based): chr8:31,064,930, T>C. VCF-style: chr8-31064930-T-C. GRCh37 (hg19) VCF-style: chr8-30922446-T-C.
Other names: short protein forms L124S.
Identifiers: ClinVar variation 2728531 (VCV002728531.3), dbSNP rs2535882606, ClinGen allele CA370914590.
Genomic context (GRCh38, chr8:31,064,930, plus strand): 5'-ATCATACTTGACAGAACTTATGGAAATAACAAGAAAATGTTACAGTTTTTCCCCAGGGAT[T>C]AAAAATGTTGCTTGAAAATAAAGCAGTTAAAAAGGCAGGTGTAGGAATTGAAGGAGATCA-3'
Protein context (NP_000544.2, residues 114-134): VSSMSVFPQG[Leu124Ser]KMLLENKAVK